The following is an entry in ClinVar:

ClinVar aggregate classification (germline): Uncertain significance (1 of 4 stars; one submission).

Submission:

Labcorp Genetics (formerly Invitae), Labcorp
Classification: Uncertain significance. Last evaluated: 2021-11-07. Review status: criteria provided, single submitter. Criteria: Invitae Variant Classification Sherloc (09022015). Collection method: clinical testing. Allele origin: germline.
Comment: In summary, the available evidence is currently insufficient to determine the role of this variant in disease. Therefore, it has been classified as a Variant of Uncertain Significance. Experimental studies and prediction algorithms are not available or were not evaluated, and the functional significance of this variant is currently unknown. This variant, c.1690_1692dup, results in the insertion of 1 amino acid(s) of the SULF1 protein (p.Glu564dup), but otherwise preserves the integrity of the reading frame. This variant is present in population databases (rs757526410, gnomAD 0.003%). This variant has not been reported in the literature in individuals affected with SULF1-related conditions.

NM_001128205.2(SULF1):c.1678GAA[6] (p.Glu564dup)

Gene: SULF1 (sulfatase 1; plus strand). Cytogenetic location: 8q13.3.
Variant type: Microsatellite.
Coding change: c.1678GAA[6] on transcript NM_001128205.2 (MANE Select); six copies in a row of the 3-base unit GAA starting at c.1678; the reference has five copies in a row; one copy, 3 bases duplicated.
Protein change: p.Glu564dup; duplicates glutamic acid 564.
Molecular consequence: inframe insertion. On other transcripts: non-coding transcript variant (3).
Genome position (GRCh38, 1-based): chr8:69,624,037-69,624,039, GAA duplicated; duplicating any 3 consecutive bases within chr8:69,624,025-69,624,039 gives the same sequence; the position shown is the placement nearest the transcript's 3' end. VCF-style (leftmost placement, unchanged base first): chr8-69624024-G-GGAA. GRCh37 (hg19) VCF-style: chr8-70536259-G-GGAA.
Other names: c.1678GAA[6], p.Glu564dup (NM_001128204.2, NM_001128206.2, NM_015170.3).
Identifiers: ClinVar variation 1466219 (VCV001466219.6), dbSNP rs751669517, ClinGen allele CA4775948.